The following is an entry in ClinVar:

ClinVar aggregate classification (germline): Uncertain significance. Review status: criteria provided, multiple submitters, no conflicts (2 of 4 stars). 6 submissions from 6 submitters: Uncertain significance (6). Last evaluated 2025-10-02.

Conditions:
AMACR-related disorder. Also called: AMACR-related condition; AMACR-Related Disorders.
Alpha-methylacyl-CoA racemase deficiency (AMACRD). Also called: AMACR deficiency. Identifiers: Orphanet 79095, MedGen C3280428, MONDO:0013681, OMIM 614307. Disease mechanism: loss of function.

Allele frequency attached by ClinVar (database versions not stated): ExAC 0.00003; gnomAD exomes 0.00003; TOPMed 0.00003; gnomAD 0.00005 and 0.00006; ESP Exome Variant Server 0.00008.
gnomAD v4.1: 137 of 1,613,906 alleles (0.0085%); highest among the groups gnomAD compares: Non-Finnish European, 0.011%; no homozygotes.

Submissions (6):

Labcorp Genetics (formerly Invitae), Labcorp
Classification: Uncertain significance for Alpha-methylacyl-CoA racemase deficiency. Last evaluated: 2025-10-02. Review status: criteria provided, single submitter. Criteria: Invitae Variant Classification Sherloc (09022015). Collection method: clinical testing. Allele origin: germline.
Comment: This sequence change replaces alanine, which is neutral and non-polar, with glutamic acid, which is acidic and polar, at codon 189 of the AMACR protein (p.Ala189Glu). This variant is present in population databases (rs367814719, gnomAD 0.006%). This variant has not been reported in the literature in individuals affected with AMACR-related conditions. ClinVar contains an entry for this variant (Variation ID: 597405). Invitae Evidence Modeling of protein sequence and biophysical properties (such as structural, functional, and spatial information, amino acid conservation, physicochemical variation, residue mobility, and thermodynamic stability) indicates that this missense variant is expected to disrupt AMACR protein function with a positive predictive value of 80%. In summary, the available evidence is currently insufficient to determine the role of this variant in disease. Therefore, it has been classified as a Variant of Uncertain Significance.

PreventionGenetics, part of Exact Sciences
Classification: Uncertain significance for AMACR-related condition. Last evaluated: 2025-02-21. Review status: criteria provided, single submitter. Criteria: ACMG Guidelines, 2015. Collection method: clinical testing. Allele origin: germline.
Comment: The AMACR c.566C>A variant is predicted to result in the amino acid substitution p.Ala189Glu. To our knowledge, this variant has not been reported in the literature. This variant is reported in 0.0062% of alleles in individuals of European (Non-Finnish) descent in gnomAD. At this time, the clinical significance of this variant is uncertain due to the absence of conclusive functional and genetic evidence.

Blueprint Genetics
Classification: Uncertain significance. Last evaluated: 2023-12-21. Review status: criteria provided, single submitter. Criteria: ACMG Guidelines, 2015. Collection method: clinical testing. Allele origin: germline.

GeneDx
Classification: Uncertain significance. Last evaluated: 2021-02-10. Review status: criteria provided, single submitter. Criteria: GeneDx Variant Classification Process June 2021. Collection method: clinical testing. Allele origin: germline. Affected: yes.
Comment: Not observed at a significant frequency in large population cohorts (Lek et al., 2016); In silico analysis supports that this missense variant has a deleterious effect on protein structure/function; Has not been previously published as pathogenic or benign to our knowledge

Mayo Clinic Laboratories, Mayo Clinic
Classification: Uncertain significance. Last evaluated: 2019-10-27. Review status: criteria provided, single submitter. Criteria: ACMG Guidelines, 2015. Collection method: clinical testing. Allele origin: germline. Observed: 1 variant allele.

Eurofins Ntd Llc (ga)
Classification: Uncertain significance. Last evaluated: 2018-05-25. Review status: criteria provided, single submitter. Criteria: EGL ClinVar v180209 classification definitions. Collection method: clinical testing. Allele origin: germline. Observed: 2 variant alleles, 2 heterozygotes.

NM_014324.6(AMACR):c.566C>A (p.Ala189Glu)

Genes: C1QTNF3-AMACR (C1QTNF3-AMACR readthrough (NMD candidate); minus strand), AMACR (alpha-methylacyl-CoA racemase; minus strand). Cytogenetic location: 5p13.2.
Variant type: single nucleotide variant.
Coding change: c.566C>A on transcript NM_014324.6 (MANE Select); coding-DNA position 566, C replaced by A.
Protein change: p.Ala189Glu; replaces alanine 189 with glutamic acid.
Molecular consequence: missense variant. On other transcripts: non-coding transcript variant (1).
Genome position (GRCh38, 1-based): chr5:33,998,814, G>T on the plus strand (C>A on the coding strand, the complement: AMACR is on the minus strand). VCF-style: chr5-33998814-G-T. GRCh37 (hg19) VCF-style: chr5-33998919-G-T.
Other names: c.566C>A, p.Ala189Glu (NM_001167595.2); c.405C>A, p.Ser135Arg (NM_203382.3); short protein forms A189E, S135R.
Identifiers: ClinVar variation 597405 (VCV000597405.18), dbSNP rs367814719, ClinGen allele CA3226160.